The following is an entry in ClinVar:

ClinVar aggregate classification (germline): Pathogenic/Likely pathogenic. Review status: criteria provided, multiple submitters, no conflicts (2 of 4 stars). 3 submissions from 3 submitters: Pathogenic (1); Likely pathogenic (1). 1 of the submissions does not count toward it. Last evaluated 2025-05-19.

Conditions:
PRPH2-related disorder. Also called: PRPH2-related disorders; PRPH2-related condition. Identifiers: MedGen CN239395.

Allele frequency attached by ClinVar (database versions not stated): gnomAD exomes below 0.00001.
gnomAD v4.1: 2 of 1,612,494 alleles (0.00012%); highest among the groups gnomAD compares: South Asian, 0.0011%; no homozygotes.

Submissions (3):

Labcorp Genetics (formerly Invitae), Labcorp
Classification: Pathogenic for PRPH2-related disorder. Last evaluated: 2025-05-19. Review status: criteria provided, single submitter. Criteria: Invitae Variant Classification Sherloc (09022015). Collection method: clinical testing. Allele origin: germline.
Comment: This sequence change replaces cysteine, which is neutral and slightly polar, with phenylalanine, which is neutral and non-polar, at codon 250 of the PRPH2 protein (p.Cys250Phe). This variant is present in population databases (no rsID available, gnomAD no frequency). This missense change has been observed in individual(s) with inherited retinal disease (PMID: 16113362, 34411390, 38219857). It has also been observed to segregate with disease in related individuals. ClinVar contains an entry for this variant (Variation ID: 865855). Invitae Evidence Modeling of protein sequence and biophysical properties (such as structural, functional, and spatial information, amino acid conservation, physicochemical variation, residue mobility, and thermodynamic stability) indicates that this missense variant is expected to disrupt PRPH2 protein function with a positive predictive value of 95%. This variant disrupts the p.Cys250 amino acid residue in PRPH2. Other variant(s) that disrupt this residue have been determined to be pathogenic (PMID: 32531846; internal data). This suggests that this residue is clinically significant, and that variants that disrupt this residue are likely to be disease-causing. For these reasons, this variant has been classified as Pathogenic.

Blueprint Genetics
Classification: Likely pathogenic for PRPH2-related disorders. Last evaluated: 2019-01-14. Review status: criteria provided, single submitter. Criteria: ACMG Guidelines, 2015. Collection method: clinical testing. Allele origin: germline. Affected: yes. Observed: 1 variant allele.

Leiden Open Variation Database
Classification: Pathogenic. Last evaluated: 2021-04-06. Review status: no assertion criteria provided. Collection method: curation. Allele origin: germline. Affected: yes. Not counted in ClinVar's aggregate classification.
Comment: Curator: Global Variome, with Curator vacancy. Submitter to LOVD: Manon Peeters.

Literature cited by the submitters: PubMed 16113362 (cited by Labcorp Genetics (formerly Invitae), Labcorp and Leiden Open Variation Database); PubMed 34411390 (cited by Labcorp Genetics (formerly Invitae), Labcorp); PubMed 38219857 (cited by Labcorp Genetics (formerly Invitae), Labcorp); PubMed 32531846 (cited by Labcorp Genetics (formerly Invitae), Labcorp).

NM_000322.5(PRPH2):c.749G>T (p.Cys250Phe)

Gene: PRPH2 (peripherin 2; minus strand). Cytogenetic location: 6p21.1.
Variant type: single nucleotide variant.
Coding change: c.749G>T on transcript NM_000322.5 (MANE Select); coding-DNA position 749, G replaced by T.
Protein change: p.Cys250Phe; replaces cysteine 250 with phenylalanine.
Molecular consequence: missense variant.
Genome position (GRCh38, 1-based): chr6:42,704,444, C>A on the plus strand (G>T on the coding strand, the complement: PRPH2 is on the minus strand). VCF-style: chr6-42704444-C-A. GRCh37 (hg19) VCF-style: chr6-42672182-C-A.
Other names: short protein forms C250F.
Identifiers: ClinVar variation 865855 (VCV000865855.4), dbSNP rs1458793437, ClinGen allele CA364134976.